The following is an entry in ClinVar:

ClinVar aggregate classification (germline): Likely benign. Review status: reviewed by expert panel (3 of 4 stars). 4 submissions from 4 submitters: Likely benign (1). 3 of the submissions do not count toward it. Last evaluated 2025-07-01.

Conditions:
Cardiac arrhythmia. Also called: Arrhythmia; Cardiac rhythm disease. Identifiers: MedGen C0003811, MONDO:0007263, HP:0011675.
Cardiovascular phenotype. Identifiers: MedGen CN230736.
Long QT syndrome (LQTS). Identifiers: MedGen C0023976, MeSH D008133, MONDO:0002442. Disease mechanism: loss of function. Inheritance: Various modes of inheritance.
Long QT syndrome 1 (LQT1). Identifiers: Orphanet 101016, Orphanet 768, MedGen C4551647, MONDO:0100316, OMIM 192500, MONDO:0008646.

Allele frequency attached by ClinVar (database versions not stated): TOPMed below 0.00001.
gnomAD v4.1: 19 of 1,613,862 alleles (0.0012%); highest among the groups gnomAD compares: Non-Finnish European, 0.0016%; no homozygotes.

Submissions (4):

ClinGen Potassium Channel Arrhythmia Variant Curation Expert Panel, ClinGen
Classification: Likely benign for Long QT syndrome 1. Last evaluated: 2025-07-01. Review status: reviewed by expert panel. Criteria: ClinGen KChannel ACMG Specifications KCNQ1 V1.0.0 2. Collection method: curation. Allele origin: germline. Inheritance: Autosomal dominant inheritance.
Comment: NM_000218.3(KCNQ1):c.840G>T (p.Val280=) is a synonymous variant in exon 6. This variant is present in gnomAD v.4.1.0 at a maximum allele frequency of 0.00001610, with 19 alleles out of 1,180,028 total alleles in the European (non-Finnish) population, which is higher than the ClinGen Potassium Channel Arrhythmia VCEP PM2_Supporting threshold of <0.00001, but lower than the BS1 threshold of >0.0004, so neither criterion is met. The computational splicing predictor SpliceAI gives this silent variant a delta score of 0.06 for acceptor gain which is below the ClinGen Potassium Channel Arrhythmia VCEP BP7 threshold of <0.2 and does not strongly predict a splicing defect (BP4). In addition, the conservation tool PhyloP gives this variant a score of 0.275, which is below the Potassium Channel Arrhythmia VCEP BP7 threshold of <2.0 and indicates a low level of evolutionary conservation at this site (BP7). In summary, this variant meets the criteria to be classified as likely benign for long QT syndrome 1 based on the ACMG/AMP criteria applied, as specified by the ClinGen Potassium Channel Arrhythmia VCEP: BP4 and BP7. (VCEP specifications version 1.0.0; date of approval 03/04/2025).

Labcorp Genetics (formerly Invitae), Labcorp
Classification: Likely benign for Long QT syndrome. Last evaluated: 2023-07-03. Review status: criteria provided, single submitter. Criteria: Invitae Variant Classification Sherloc (09022015). Collection method: clinical testing. Allele origin: germline. Not counted in ClinVar's aggregate classification.

Color Diagnostics, LLC DBA Color Health
Classification: Likely benign for Cardiac arrhythmia. Last evaluated: 2022-11-06. Review status: criteria provided, single submitter. Criteria: ACMG Guidelines, 2015. Collection method: clinical testing. Allele origin: germline. Not counted in ClinVar's aggregate classification.

Ambry Genetics
Classification: Likely benign for Cardiovascular phenotype. Last evaluated: 2019-02-28. Review status: criteria provided, single submitter. Criteria: Ambry Variant Classification Scheme 2023. Collection method: clinical testing. Allele origin: germline. Not counted in ClinVar's aggregate classification.

NM_000218.3(KCNQ1):c.840G>T (p.Val280=)

Gene: KCNQ1 (potassium voltage-gated channel subfamily Q member 1; plus strand). Cytogenetic location: 11p15.5.
Variant type: single nucleotide variant.
Coding change: c.840G>T on transcript NM_000218.3 (MANE Select); coding-DNA position 840, G replaced by T.
Protein change: p.Val280=; no amino-acid change (valine 280 retained).
Molecular consequence: synonymous variant. On other transcripts: intron variant (1).
Genome position (GRCh38, 1-based): chr11:2,572,905, G>T. VCF-style: chr11-2572905-G-T. GRCh37 (hg19) VCF-style: chr11-2594135-G-T.
Other names: NM_000218.3(KCNQ1):c.840G>T; p.Val280=; c.840G>T, p.Val280= (NM_001406836.1); c.570G>T, p.Val190= (NM_001406837.1); c.459G>T, p.Val153= (NM_181798.2); c.478-10530G>T (NM_001406838.1).
Identifiers: ClinVar variation 456870 (VCV000456870.13), dbSNP rs1554893236, ClinGen allele CA472038164.